The following is an entry in ClinVar:

NM_001206671.4(RIC3):c.934G>A (p.Asp312Asn)

Gene: RIC3 (RIC3 acetylcholine receptor chaperone; minus strand). Cytogenetic location: 11p15.4.
Variant type: single nucleotide variant.
Coding change: c.934G>A on transcript NM_001206671.4 (MANE Select); coding-DNA position 934, G replaced by A.
Protein change: p.Asp312Asn; replaces aspartic acid 312 with asparagine.
Molecular consequence: missense variant. On other transcripts: 3 prime UTR variant (1), non-coding transcript variant (3).
Genome position (GRCh38, 1-based): chr11:8,110,874, C>T on the plus strand (G>A on the coding strand, the complement: RIC3 is on the minus strand). VCF-style: chr11-8110874-C-T. GRCh37 (hg19) VCF-style: chr11-8132421-C-T.
Other names: p.Asp312Asn; c.388G>A, p.Asp130Asn (NM_001135109.4); c.691G>A, p.Asp231Asn (NM_001206672.4); c.448G>A, p.Asp150Asn (NM_001346690.2); c.*254G>A (NM_001346691.2); c.784G>A, p.Asp262Asn (NM_001346692.2); c.871G>A, p.Asp291Asn (NM_001346693.2); c.787G>A, p.Asp263Asn (NM_001346694.2); and 1 more; short protein forms D130N, D150N, D231N, D262N, D263N, D291N, D311N, D312N.
Identifiers: ClinVar variation 4683586 (VCV004683586.1).

ClinVar aggregate classification (germline): Benign (1 of 4 stars; one submission).

gnomAD v4.1: 10,004 of 1,614,204 alleles (0.62%); highest among the groups gnomAD compares: Non-Finnish European, 0.8%; 58 homozygotes.

Submission:

Mayo Clinic Laboratories, Mayo Clinic
Classification: Benign. Last evaluated: 2023-06-16. Review status: criteria provided, single submitter. Criteria: ACMG Guidelines, 2015. Collection method: clinical testing. Allele origin: germline. Observed: 8 variant alleles.
Comment: BS1, BS2, BP4